The following is an entry in ClinVar:

NM_005560.6(LAMA5):c.10739_10743dup (p.Arg3582fs)

Gene: LAMA5 (laminin subunit alpha 5; minus strand). Cytogenetic location: 20q13.33.
Variant type: Duplication.
Coding change: c.10739_10743dup on transcript NM_005560.6 (MANE Select); coding-DNA positions 10739 to 10743, 5 bases duplicated (TGCTG; older notation c.10739_10743dupTGCTG).
Protein change: p.Arg3582fs; shifts the reading frame from arginine 3582.
Molecular consequence: frameshift variant.
Genome position (GRCh38, 1-based): chr20:62,310,073-62,310,077, CAGCA duplicated on the plus strand (TGCTG on the coding strand, the reverse complement: LAMA5 is on the minus strand). VCF-style (leftmost placement, unchanged base first): chr20-62310072-G-GCAGCA. GRCh37 (hg19) VCF-style: chr20-60885128-G-GCAGCA.
Other names: short protein forms R3582fs.
Identifiers: ClinVar variation 3377297 (VCV003377297.1).

ClinVar aggregate classification (germline): Likely pathogenic (1 of 4 stars; one submission).

Conditions:
Nephrotic syndrome, IIa 26. Also called: Nephrotic syndrome, type 26. Identifiers: MedGen C5774221, MONDO:0031061, OMIM 620049.

Submission:

Victorian Clinical Genetics Services, Murdoch Childrens Research Institute
Classification: Likely pathogenic for Nephrotic syndrome, IIa 26. Last evaluated: 2024-10-09. Review status: criteria provided, single submitter. Criteria: ACMG Guidelines, 2015. Collection method: clinical testing. Allele origin: germline. Inheritance: Autosomal recessive inheritance. Affected: yes.
Comment: Based on the classification scheme VCGS_Germline_v1.3.4, this variant is classified as Likely pathogenic. Following criteria are met: 0102 - Loss of function is a known mechanism of disease in this gene and is associated with nephrotic syndrome, type 26 (MIM#620049) and focal segmental glomerular sclerosis (FSGS; PMID: 24130771). The mechanism of disease associated with complex multisystem syndrome due to ECM dysfunction is currently unclear. (I) 0106 - This gene is associated with autosomal recessive disease. There are limited reports on autosomal dominant FSGS and complex multisystem syndrome due to ECM dysfunction (PMID: 24130771, 28735299). (I) 0201 - Variant is predicted to cause nonsense-mediated decay (NMD) and loss of protein (premature termination codon is located at least 54 nucleotides upstream of the final exon-exon junction). (SP) 0251 - This variant is heterozygous. (I) 0304 - Variant is present in gnomAD (v2) <0.01 for a recessive condition (2 heterozygotes, 0 homozygotes). (SP) 0702 - Other NMD-predicted variants comparable to the one identified in this case have strong previous evidence for pathogenicity (DECIPHER, PMID: 35419533). (SP) 0807 - This variant has no previous evidence of pathogenicity. (I) 0905 - No published segregation evidence has been identified for this variant. (I) 1007 - No published functional evidence has been identified for this variant. (I) 1208 - Inheritance information for this variant is not currently available in this individual. (I) Legend: (SP) - Supporting pathogenic, (I) - Information, (SB) - Supporting benign

Literature cited by the submitters: PubMed 24130771; PubMed 28735299; PubMed 35419533.